The following is an entry in ClinVar:

ClinVar aggregate classification (germline): Uncertain significance (1 of 4 stars; one submission).

Conditions:
Succinate-semialdehyde dehydrogenase deficiency (SSADHD). Also called: Succinic Semialdehyde Dehydrogenase Deficiency; SSADH DEFICIENCY; 4-HYDROXYBUTYRIC ACIDURIA; GABA METABOLIC DEFECT. Identifiers: Orphanet 22, MedGen C0268631, MONDO:0010083, OMIM 271980.

Allele frequency attached by ClinVar (database versions not stated): gnomAD 0.00001; TOPMed 0.00002.
gnomAD v4.1: 9 of 1,320,420 alleles (0.00068%); highest among the groups gnomAD compares: African/African-American, 0.0015%; no homozygotes.

Submission:

Labcorp Genetics (formerly Invitae), Labcorp
Classification: Uncertain significance for Succinate-semialdehyde dehydrogenase deficiency. Last evaluated: 2025-07-14. Review status: criteria provided, single submitter. Criteria: Invitae Variant Classification Sherloc (09022015). Collection method: clinical testing. Allele origin: germline.
Comment: This sequence change replaces glycine, which is neutral and non-polar, with serine, which is neutral and polar, at codon 30 of the ALDH5A1 protein (p.Gly30Ser). This variant is not present in population databases (gnomAD no frequency). This variant has not been reported in the literature in individuals affected with ALDH5A1-related conditions. ClinVar contains an entry for this variant (Variation ID: 859848). Invitae Evidence Modeling of protein sequence and biophysical properties (such as structural, functional, and spatial information, amino acid conservation, physicochemical variation, residue mobility, and thermodynamic stability) indicates that this missense variant is not expected to disrupt ALDH5A1 protein function with a negative predictive value of 95%. In summary, the available evidence is currently insufficient to determine the role of this variant in disease. Therefore, it has been classified as a Variant of Uncertain Significance.

NM_001080.3(ALDH5A1):c.88G>A (p.Gly30Ser)

Genes: ALDH5A1 (aldehyde dehydrogenase 5 family member A1; plus strand), GPLD1 (glycosylphosphatidylinositol specific phospholipase D1; minus strand), LOC129995978 (ATAC-STARR-seq lymphoblastoid silent region 16989; plus strand). Cytogenetic location: 6p22.3.
Variant type: single nucleotide variant.
Coding change: c.88G>A on transcript NM_001080.3 (MANE Select); coding-DNA position 88, G replaced by A.
Protein change: p.Gly30Ser; replaces glycine 30 with serine.
Molecular consequence: missense variant.
Genome position (GRCh38, 1-based): chr6:24,495,084, G>A. VCF-style: chr6-24495084-G-A. GRCh37 (hg19) VCF-style: chr6-24495312-G-A.
Other names: c.88G>A, p.Gly30Ser (NM_001368954.1, NM_170740.1); short protein forms G30S.
Identifiers: ClinVar variation 859848 (VCV000859848.6), dbSNP rs1171926592, ClinGen allele CA362968204.